The following is an entry in ClinVar:

NM_002439.5(MSH3):c.1490A>G (p.Lys497Arg)

Gene: MSH3 (mutS homolog 3; plus strand). Cytogenetic location: 5q14.1.
Variant type: single nucleotide variant.
Coding change: c.1490A>G on transcript NM_002439.5 (MANE Select); coding-DNA position 1490, A replaced by G.
Protein change: p.Lys497Arg; replaces lysine 497 with arginine.
Molecular consequence: missense variant.
Genome position (GRCh38, 1-based): chr5:80,728,887, A>G. VCF-style: chr5-80728887-A-G. GRCh37 (hg19) VCF-style: chr5-80024706-A-G.
Other names: c.1490A>G (NM_002439.3); short protein forms K497R.
Identifiers: ClinVar variation 956317 (VCV000956317.10), dbSNP rs1743353000, ClinGen allele CA360274216.
Genomic context (GRCh38, chr5:80,728,887, plus strand): 5'-AAGTTAATATATTCTGTTTTCTAGGTTCTCAAATTATTTCTGGCATTGTTAACTTAGAGA[A>G]GCCTGTGATTTGCTCTTTGGCTGCCATCATAAAATACCTCAAAGAATTCAACTTGGAAAA-3'
Protein context (NP_002430.3, residues 487-507): QIISGIVNLE[Lys497Arg]PVICSLAAII

ClinVar aggregate classification (germline): Uncertain significance. Review status: criteria provided, multiple submitters, no conflicts (2 of 4 stars). 2 submissions from 2 submitters: Uncertain significance (2). Last evaluated 2024-03-04.

Conditions:
Hereditary cancer-predisposing syndrome. Also called: Hereditary neoplastic syndrome; Tumor predisposition; Neoplastic Syndromes, Hereditary; Hereditary Cancer Syndrome. Identifiers: Orphanet 140162, MedGen C0027672, MeSH D009386, MONDO:0015356.

Submissions (2):

Ambry Genetics
Classification: Uncertain significance for Hereditary cancer-predisposing syndrome. Last evaluated: 2024-03-04. Review status: criteria provided, single submitter. Criteria: Ambry Variant Classification Scheme 2023. Collection method: clinical testing. Allele origin: germline.
Comment: The p.K497R variant (also known as c.1490A>G), located in coding exon 10 of the MSH3 gene, results from an A to G substitution at nucleotide position 1490. The lysine at codon 497 is replaced by arginine, an amino acid with highly similar properties. This amino acid position is conserved. In addition, the in silico prediction for this alteration is inconclusive. Based on the available evidence, the clinical significance of this alteration remains unclear.

Labcorp Genetics (formerly Invitae), Labcorp
Classification: Uncertain significance. Last evaluated: 2019-08-10. Review status: criteria provided, single submitter. Criteria: Invitae Variant Classification Sherloc (09022015). Collection method: clinical testing. Allele origin: germline.
Comment: This sequence change replaces lysine with arginine at codon 497 of the MSH3 protein (p.Lys497Arg). The lysine residue is moderately conserved and there is a small physicochemical difference between lysine and arginine. Algorithms developed to predict the effect of missense changes on protein structure and function (SIFT, PolyPhen-2, Align-GVGD) all suggest that this variant is likely to be tolerated, but these predictions have not been confirmed by published functional studies and their clinical significance is uncertain. This variant has not been reported in the literature in individuals with MSH3-related conditions. This variant is not present in population databases (ExAC no frequency). In summary, the available evidence is currently insufficient to determine the role of this variant in disease. Therefore, it has been classified as a Variant of Uncertain Significance.